The following is an entry in ClinVar:

NM_003322.6(TULP1):c.895G>T (p.Ala299Ser)

Gene: TULP1 (TUB like protein 1; minus strand). Cytogenetic location: 6p21.31.
Variant type: single nucleotide variant.
Coding change: c.895G>T on transcript NM_003322.6 (MANE Select); coding-DNA position 895, G replaced by T.
Protein change: p.Ala299Ser; replaces alanine 299 with serine.
Molecular consequence: missense variant.
Genome position (GRCh38, 1-based): chr6:35,506,107, C>A on the plus strand (G>T on the coding strand, the complement: TULP1 is on the minus strand). VCF-style: chr6-35506107-C-A. GRCh37 (hg19) VCF-style: chr6-35473884-C-A.
Other names: c.736G>T, p.Ala246Ser (NM_001289395.2); short protein forms A299S, A246S.
Identifiers: ClinVar variation 1479802 (VCV001479802.6), dbSNP rs2150925513, ClinGen allele CA363780317.

ClinVar aggregate classification (germline): Uncertain significance (1 of 4 stars; one submission).

Submission:

Labcorp Genetics (formerly Invitae), Labcorp
Classification: Uncertain significance. Last evaluated: 2020-10-29. Review status: criteria provided, single submitter. Criteria: Invitae Variant Classification Sherloc (09022015). Collection method: clinical testing. Allele origin: germline.
Comment: This sequence change replaces alanine with serine at codon 299 of the TULP1 protein (p.Ala299Ser). The alanine residue is highly conserved and there is a moderate physicochemical difference between alanine and serine. In summary, the available evidence is currently insufficient to determine the role of this variant in disease. Therefore, it has been classified as a Variant of Uncertain Significance. Algorithms developed to predict the effect of missense changes on protein structure and function are either unavailable or do not agree on the potential impact of this missense change (SIFT: "Not Available"; PolyPhen-2: "Possibly Damaging"; Align-GVGD: "Not Available"). This variant has not been reported in the literature in individuals with TULP1-related conditions. This variant is not present in population databases (ExAC no frequency).